The following is an entry in ClinVar:

ClinVar aggregate classification (germline): Conflicting classifications of pathogenicity. Review status: criteria provided, conflicting classifications (1 of 4 stars). 2 submissions from 2 submitters: Likely pathogenic (1); Uncertain significance (1). Last evaluated 2022-07-19.

Conditions:
Retinal dystrophy. Also called: Inherited retinal dystrophy. Identifiers: Orphanet 71862, MedGen C0854723, MeSH D058499, MONDO:0019118, HP:0000556.

Submissions (2):

Labcorp Genetics (formerly Invitae), Labcorp
Classification: Uncertain significance. Last evaluated: 2022-07-19. Review status: criteria provided, single submitter. Criteria: Invitae Variant Classification Sherloc (09022015). Collection method: clinical testing. Allele origin: germline.
Comment: Algorithms developed to predict the effect of missense changes on protein structure and function are either unavailable or do not agree on the potential impact of this missense change (SIFT: "Deleterious"; PolyPhen-2: "Probably Damaging"; Align-GVGD: "Class C0"). In summary, the available evidence is currently insufficient to determine the role of this variant in disease. Therefore, it has been classified as a Variant of Uncertain Significance. ClinVar contains an entry for this variant (Variation ID: 866013). This missense change has been observed in individual(s) with retinitis pigmentosa (PMID: 32875684). This variant is not present in population databases (gnomAD no frequency). This sequence change replaces leucine, which is neutral and non-polar, with proline, which is neutral and non-polar, at codon 189 of the RP2 protein (p.Leu189Pro).

Institute of Human Genetics, Univ. Regensburg, Univ. Regensburg
Classification: Likely pathogenic for Retinal dystrophy. Last evaluated: 2020-01-01. Review status: criteria provided, single submitter. Criteria: ACMG Guidelines, 2015. Collection method: clinical testing. Allele origin: germline. Affected: yes.

Literature cited by the submitters: PubMed 32875684 (cited by Labcorp Genetics (formerly Invitae), Labcorp and Institute of Human Genetics, Univ. Regensburg, Univ. Regensburg); PubMed 36819107 (cited by Institute of Human Genetics, Univ. Regensburg, Univ. Regensburg).

NM_006915.3(RP2):c.566T>C (p.Leu189Pro)

Gene: RP2 (RP2 activator of ARL3 GTPase; plus strand). Cytogenetic location: Xp11.3.
Variant type: single nucleotide variant.
Coding change: c.566T>C on transcript NM_006915.3 (MANE Select); coding-DNA position 566, T replaced by C.
Protein change: p.Leu189Pro; replaces leucine 189 with proline.
Molecular consequence: missense variant.
Genome position (GRCh38, 1-based): chrX:46,853,939, T>C. VCF-style: chrX-46853939-T-C. GRCh37 (hg19) VCF-style: chrX-46713374-T-C.
Other names: short protein forms L189P.
Identifiers: ClinVar variation 866013 (VCV000866013.11), dbSNP rs1924908706, ClinGen allele CA413040229.